The following is an entry in ClinVar:

ClinVar aggregate classification (germline): Uncertain significance (1 of 4 stars; one submission).

Conditions:
Familial cold autoinflammatory syndrome 2 (FCAS2). Identifiers: Orphanet 247868, MedGen C2673198, MONDO:0012724, OMIM 611762.

gnomAD v4.1: 1 of 1,614,178 alleles (0.000062%); highest among the groups gnomAD compares: Non-Finnish European, 0.000085%; no homozygotes.

Submission:

Neuberg Centre For Genomic Medicine, NCGM
Classification: Uncertain significance for Familial cold autoinflammatory syndrome 2. Last evaluated: 2023-06-22. Review status: criteria provided, single submitter. Criteria: ACMG Guidelines, 2015. Collection method: clinical testing. Allele origin: germline. Inheritance: Autosomal dominant inheritance. Affected: yes.
Comment: The missense variant c.2839G>C(p.Asp947His) in NLRP12 gene has not been reported previously as a pathogenic variant nor as a benign variant, to our knowledge. The observed variant is absent in gnomAD exomes database. This variant has not been submitted to the ClinVar database. Multiple lines of computational evidence (Polyphen - probably damaging, SIFT - damaging and MutationTaster - disease causing) predict a damaging effect on protein structure and function for this variant. The reference amino acid change p.Asp947His in NLRP12 is predicted as conserved by GERP++ and PhyloP across 100 vertebrates. The amino acid Asp at position 947 is changed to a His changing protein sequence and it might alter its composition and physico-chemical properties. For these reasons, this variant has been classified as Uncertain Significance (VUS).

NM_144687.4(NLRP12):c.2839G>C (p.Asp947His)

Gene: NLRP12 (NLR family pyrin domain containing 12; minus strand). Cytogenetic location: 19q13.42.
Variant type: single nucleotide variant.
Coding change: c.2839G>C on transcript NM_144687.4 (MANE Select); coding-DNA position 2839, G replaced by C.
Protein change: p.Asp947His; replaces aspartic acid 947 with histidine.
Molecular consequence: missense variant. On other transcripts: intron variant (1).
Genome position (GRCh38, 1-based): chr19:53,798,331, C>G on the plus strand (G>C on the coding strand, the complement: NLRP12 is on the minus strand). VCF-style: chr19-53798331-C-G. GRCh37 (hg19) VCF-style: chr19-54301585-C-G.
Other names: c.2842G>C, p.Asp948His (NM_001277126.2); c.2757-2302G>C (NM_001277129.1); short protein forms D947H, D948H.
Identifiers: ClinVar variation 3377709 (VCV003377709.1).
Genomic context (GRCh38, chr19:53,798,331, plus strand): 5'-GTTGCAGCCCCTCAGCCAGCAACCACAGGCCCCAGTCTCCCAGGTCGTTGAAACTCAAGT[C>G]CAGCTCCCGGAGGTTGTGGTTGGCCTGGAGCACCACAGAAAGACCCTCACAGGCGGCAGA-3'
Protein context (NP_653288.1, residues 937-957): LQANHNLREL[Asp947His]LSFNDLGDWG